The following is an entry in ClinVar:

NM_001142864.4(PIEZO1):c.4759C>A (p.Pro1587Thr)

Gene: PIEZO1 (piezo type mechanosensitive ion channel component 1 (Er blood group); minus strand). Cytogenetic location: 16q24.3.
Variant type: single nucleotide variant.
Coding change: c.4759C>A on transcript NM_001142864.4 (MANE Select); coding-DNA position 4759, C replaced by A.
Protein change: p.Pro1587Thr; replaces proline 1587 with threonine.
Molecular consequence: missense variant.
Genome position (GRCh38, 1-based): chr16:88,722,599, G>T on the plus strand (C>A on the coding strand, the complement: PIEZO1 is on the minus strand). VCF-style: chr16-88722599-G-T. GRCh37 (hg19) VCF-style: chr16-88789007-G-T.
Other names: c.4759C>A (NM_001142864.2); short protein forms P1587T.
Identifiers: ClinVar variation 3668936 (VCV003668936.3).
Genomic context (GRCh38, chr16:88,722,599, plus strand): 5'-ACACCAGGGGCAGCAGCTGGGGCTCGGGTCACCCCCGCACCTACCTGGACACGGTGCTTG[G>T]GGCATTGGGGGCCTCGGTGGGGCCTGGCAGCGTGGCCTCGGCCTGGCTTGTGTACAGCTG-3'
Protein context (NP_001136336.2, residues 1577-1597): LPGPTEAPNA[Pro1587Thr]STVSSGLGAE

ClinVar aggregate classification (germline): Uncertain significance. Review status: criteria provided, multiple submitters, no conflicts (2 of 4 stars). 2 submissions from 2 submitters: Uncertain significance (2). Last evaluated 2025-04-01.

Conditions:
Inborn genetic diseases. Identifiers: MedGen C0950123, MeSH D030342.

Submissions (2):

Ambry Genetics
Classification: Uncertain significance for Inborn genetic diseases. Last evaluated: 2025-04-01. Review status: criteria provided, single submitter. Criteria: Ambry Variant Classification Scheme 2023. Collection method: clinical testing. Allele origin: germline.

Labcorp Genetics (formerly Invitae), Labcorp
Classification: Uncertain significance. Last evaluated: 2025-02-02. Review status: criteria provided, single submitter. Criteria: Invitae Variant Classification Sherloc (09022015). Collection method: clinical testing. Allele origin: germline.
Comment: This sequence change replaces proline, which is neutral and non-polar, with threonine, which is neutral and polar, at codon 1587 of the PIEZO1 protein (p.Pro1587Thr). This variant is not present in population databases (gnomAD no frequency). This variant has not been reported in the literature in individuals affected with PIEZO1-related conditions. Invitae Evidence Modeling of protein sequence and biophysical properties (such as structural, functional, and spatial information, amino acid conservation, physicochemical variation, residue mobility, and thermodynamic stability) indicates that this missense variant is not expected to disrupt PIEZO1 protein function with a negative predictive value of 80%. In summary, the available evidence is currently insufficient to determine the role of this variant in disease. Therefore, it has been classified as a Variant of Uncertain Significance.